The following is an entry in ClinVar:

ClinVar aggregate classification (germline): Uncertain significance (1 of 4 stars; one submission).

Conditions:
Epileptic encephalopathy. Identifiers: MedGen C0543888, HP:0200134.

Allele frequency attached by ClinVar (database versions not stated): TOPMed 0.00001; gnomAD 0.00003.
gnomAD v4.1: 1 of 1,603,708 alleles (0.000062%); highest among the groups gnomAD compares: African/African-American, 0.0013%; no homozygotes.

Submission:

Labcorp Genetics (formerly Invitae), Labcorp
Classification: Uncertain significance for Epileptic encephalopathy. Last evaluated: 2018-08-29. Review status: criteria provided, single submitter. Criteria: Invitae Variant Classification Sherloc (09022015). Collection method: clinical testing. Allele origin: germline.
Comment: In summary, the available evidence is currently insufficient to determine the role of this variant in disease. Therefore, it has been classified as a Variant of Uncertain Significance. This sequence change replaces glutamic acid with lysine at codon 4385 of the RYR3 protein (p.Glu4385Lys). The glutamic acid residue is moderately conserved and there is a small physicochemical difference between glutamic acid and lysine. This variant is not present in population databases (ExAC no frequency). This variant has not been reported in the literature in individuals with RYR3-related disease. Algorithms developed to predict the effect of missense changes on protein structure and function (SIFT, PolyPhen-2, Align-GVGD) all suggest that this variant is likely to be tolerated, but these predictions have not been confirmed by published functional studies and their clinical significance is uncertain.

NM_001036.6(RYR3):c.13153G>A (p.Glu4385Lys)

Gene: RYR3 (ryanodine receptor 3; plus strand). Cytogenetic location: 15q14.
Variant type: single nucleotide variant.
Coding change: c.13153G>A on transcript NM_001036.6 (MANE Select); coding-DNA position 13153, G replaced by A.
Protein change: p.Glu4385Lys; replaces glutamic acid 4385 with lysine.
Molecular consequence: missense variant.
Genome position (GRCh38, 1-based): chr15:33,841,979, G>A. VCF-style: chr15-33841979-G-A. GRCh37 (hg19) VCF-style: chr15-34134180-G-A.
Other names: c.13138G>A, p.Glu4380Lys (NM_001243996.4); short protein forms E4385K, E4380K.
Identifiers: ClinVar variation 653723 (VCV000653723.8), dbSNP rs770201518, ClinGen allele CA268600841.